The following is an entry in ClinVar:

ClinVar aggregate classification (germline): Pathogenic/Likely pathogenic. Review status: criteria provided, multiple submitters, no conflicts (2 of 4 stars). 2 submissions from 2 submitters: Pathogenic (1); Likely pathogenic (1). Last evaluated 2024-07-12.

Conditions:
Inborn genetic diseases. Identifiers: MedGen C0950123, MeSH D030342.

Allele frequency attached by ClinVar (database versions not stated): TOPMed below 0.00001.

Submissions (2):

Ambry Genetics
Classification: Likely pathogenic for Inborn genetic diseases. Last evaluated: 2024-07-12. Review status: criteria provided, single submitter. Criteria: Ambry Variant Classification Scheme 2023. Collection method: clinical testing. Allele origin: germline.
Comment: The c.3009G>T (p.W1003C) alteration is located in exon 19 (coding exon 19) of the NOTCH3 gene. This alteration results from a G to T substitution at nucleotide position 3009, causing the tryptophan (W) at amino acid position 1003 to be replaced by a cysteine (C). for CADASIL; however, its clinical significance for NOTCH3-related lateral meningocele syndrome is uncertain. This variant was not reported in population-based cohorts in the Genome Aggregation Database (gnomAD). This variant was reported in multiple individuals with features consistent with CADASIL (Algahtani, 2020; Ueda, 2022). Another alteration resulting in the same amino acid change, c.3009G>C (p.W1003C), was reported in multiple siblings with features consistent with CADASIL (R&uuml;stemolu, 2021). This amino acid position is well conserved in available vertebrate species. The in silico prediction for this alteration is inconclusive. Based on the available evidence, this alteration is classified as likely pathogenic.

Labcorp Genetics (formerly Invitae), Labcorp
Classification: Pathogenic. Last evaluated: 2023-05-31. Review status: criteria provided, single submitter. Criteria: Invitae Variant Classification Sherloc (09022015). Collection method: clinical testing. Allele origin: germline.
Comment: For these reasons, this variant has been classified as Pathogenic. Advanced modeling of protein sequence and biophysical properties (such as structural, functional, and spatial information, amino acid conservation, physicochemical variation, residue mobility, and thermodynamic stability) performed at Invitae indicates that this missense variant is expected to disrupt NOTCH3 protein function. This missense change has been observed in individual(s) with clinical features of cerebral arteriopathy with subcortical infarcts and leukoencephalopathy and lateral meningocele syndrome (CADASIL) (PMID: 32414585). It has also been observed to segregate with disease in related individuals. This variant is not present in population databases (gnomAD no frequency). This sequence change replaces tryptophan, which is neutral and slightly polar, with cysteine, which is neutral and slightly polar, at codon 1003 of the NOTCH3 protein (p.Trp1003Cys).

Literature cited by the submitters: PubMed 32414585 (cited by Ambry Genetics and Labcorp Genetics (formerly Invitae), Labcorp); PubMed 35775048 (cited by Ambry Genetics).

NM_000435.3(NOTCH3):c.3009G>T (p.Trp1003Cys)

Gene: NOTCH3 (notch receptor 3; minus strand). Cytogenetic location: 19p13.12.
Variant type: single nucleotide variant.
Coding change: c.3009G>T on transcript NM_000435.3 (MANE Select); coding-DNA position 3009, G replaced by T.
Protein change: p.Trp1003Cys; replaces tryptophan 1003 with cysteine.
Molecular consequence: missense variant.
Genome position (GRCh38, 1-based): chr19:15,180,814, C>A on the plus strand (G>T on the coding strand, the complement: NOTCH3 is on the minus strand). VCF-style: chr19-15180814-C-A. GRCh37 (hg19) VCF-style: chr19-15291625-C-A.
Other names: c.3009G>T (NM_000435.2); short protein forms W1003C.
Identifiers: ClinVar variation 2972905 (VCV002972905.4), dbSNP rs1241704923, ClinGen allele CA404514400.